The following is an entry in ClinVar:

NM_000092.5(COL4A4):c.1485G>T (p.Glu495Asp)

Gene: COL4A4 (collagen type IV alpha 4 chain; minus strand). Cytogenetic location: 2q36.3.
Variant type: single nucleotide variant.
Coding change: c.1485G>T on transcript NM_000092.5 (MANE Select); coding-DNA position 1485, G replaced by T.
Protein change: p.Glu495Asp; replaces glutamic acid 495 with aspartic acid.
Molecular consequence: missense variant.
Genome position (GRCh38, 1-based): chr2:227,088,791, C>A on the plus strand (G>T on the coding strand, the complement: COL4A4 is on the minus strand). VCF-style: chr2-227088791-C-A. GRCh37 (hg19) VCF-style: chr2-227953507-C-A.
Other names: short protein forms E495D.
Identifiers: ClinVar variation 4082672 (VCV004082672.2).

ClinVar aggregate classification (germline): Uncertain significance (1 of 4 stars; one submission).

Submission:

GeneDx
Classification: Uncertain significance. Last evaluated: 2026-03-02. Review status: criteria provided, single submitter. Criteria: GeneDx Variant Classification Process June 2021. Collection method: clinical testing. Allele origin: germline.
Comment: Not observed at significant frequency in large population cohorts (gnomAD); In silico analysis suggests that this missense variant does not alter protein structure/function; Occurs in the triple helical domain within an interruption of the canonical Gly-X-Y repeat; Has not been previously published as pathogenic or benign to our knowledge